The following is an entry in ClinVar:

ClinVar aggregate classification (germline): Conflicting classifications of pathogenicity. Review status: criteria provided, conflicting classifications (1 of 4 stars). 12 submissions from 12 submitters: Uncertain significance (6); Likely benign (5). 1 of the submissions does not count toward it. Last evaluated 2026-02-03.

Conditions:
Inborn genetic diseases. Identifiers: MedGen C0950123, MeSH D030342.
Glycogen storage disease type III (GSD3). Also called: Cori disease; FORBES DISEASE. Identifiers: Orphanet 366, MedGen C0017922, MONDO:0009291, OMIM 232400.

Allele frequency attached by ClinVar (database versions not stated): TOPMed 0.00049; gnomAD exomes 0.00061; ExAC 0.00062; gnomAD 0.00062 and 0.00064; ESP Exome Variant Server 0.00108.
gnomAD v4.1: 1,603 of 1,613,966 alleles (0.099%); highest among the groups gnomAD compares: Non-Finnish European, 0.12%; 7 homozygotes.

Submissions (12):

Labcorp Genetics (formerly Invitae), Labcorp
Classification: Likely benign for Glycogen storage disease type III. Last evaluated: 2026-02-03. Review status: criteria provided, single submitter. Criteria: Invitae Variant Classification Sherloc (09022015). Collection method: clinical testing. Allele origin: germline.

CeGaT Center for Human Genetics Tuebingen
Classification: Likely benign. Last evaluated: 2025-06-01. Review status: criteria provided, single submitter. Criteria: CeGaT Center For Human Genetics Tuebingen Variant Classification Criteria Version 2. Collection method: clinical testing. Allele origin: germline. Affected: yes. Observed: 2 variant alleles.
Comment: AGL: BP4

Blueprint Genetics
Classification: Likely benign. Last evaluated: 2024-10-24. Review status: criteria provided, single submitter. Criteria: ACMG Guidelines, 2015. Collection method: clinical testing. Allele origin: germline.

Department of Pathology and Laboratory Medicine, Sinai Health System
Classification: Uncertain significance for glycogen storage disease III. Last evaluated: 2023-04-28. Review status: criteria provided, single submitter. Criteria: ACMG Guidelines, 2015. Collection method: research. Allele origin: germline.

Baylor Genetics
Classification: Uncertain significance for Glycogen storage disease type III. Last evaluated: 2023-02-16. Review status: criteria provided, single submitter. Criteria: ACMG Guidelines, 2015. Collection method: clinical testing. Allele origin: unknown.

Ambry Genetics
Classification: Uncertain significance for Inborn genetic diseases. Last evaluated: 2022-05-09. Review status: criteria provided, single submitter. Criteria: Ambry Variant Classification Scheme 2023. Collection method: clinical testing. Allele origin: germline.
Comment: The c.334A>G (p.I112V) alteration is located in exon 4 (coding exon 3) of the AGL gene. This alteration results from a A to G substitution at nucleotide position 334, causing the isoleucine (I) at amino acid position 112 to be replaced by a valine (V). The p.I112V alteration is predicted to be tolerated by in silico analysis. Based on insufficient or conflicting evidence, the clinical significance of this alteration remains unclear.

Mayo Clinic Laboratories, Mayo Clinic
Classification: Uncertain significance. Last evaluated: 2021-12-29. Review status: criteria provided, single submitter. Criteria: ACMG Guidelines, 2015. Collection method: clinical testing. Allele origin: germline.

Genome-Nilou Lab
Classification: Likely benign for Glycogen storage disease type III. Last evaluated: 2021-07-15. Review status: criteria provided, single submitter. Criteria: ACMG Guidelines, 2015. Collection method: clinical testing. Allele origin: germline. Affected: no.

Genomic Research Center, Shahid Beheshti University of Medical Sciences
Classification: Likely benign for Glycogen storage disease type III. Last evaluated: 2018-08-07. Review status: criteria provided, single submitter. Criteria: ACMG Guidelines, 2015. Collection method: clinical testing. Allele origin: inherited. Affected: yes. Observed: 1 variant allele.

Illumina Laboratory Services, Illumina
Classification: Uncertain significance for Glycogen storage disease type III. Last evaluated: 2018-01-13. Review status: criteria provided, single submitter. Criteria: ICSL Variant Classification Criteria 13 December 2019. Collection method: clinical testing. Allele origin: germline.

Stanford Center for Inherited Cardiovascular Disease, Stanford University
Classification: Uncertain significance. Last evaluated: 2017-11-07. Review status: criteria provided, single submitter. Criteria: ACMG Guidelines, 2015. Collection method: provider interpretation. Allele origin: germline.

Natera, Inc.
Classification: Uncertain significance for Glycogen storage disease type III. Last evaluated: 2020-01-10. Review status: no assertion criteria provided. Collection method: clinical testing. Allele origin: germline. Not counted in ClinVar's aggregate classification.

NM_000642.3(AGL):c.334A>G (p.Ile112Val)

Gene: AGL (amylo-alpha-1,6-glucosidase and 4-alpha-glucanotransferase; plus strand). Cytogenetic location: 1p21.2.
Variant type: single nucleotide variant.
Coding change: c.334A>G on transcript NM_000642.3 (MANE Select); coding-DNA position 334, A replaced by G.
Protein change: p.Ile112Val; replaces isoleucine 112 with valine.
Molecular consequence: missense variant.
Genome position (GRCh38, 1-based): chr1:99,862,297, A>G. VCF-style: chr1-99862297-A-G. GRCh37 (hg19) VCF-style: chr1-100327853-A-G.
Other names: p.Ile112Val; c.334A>G, p.Ile112Val (NM_000028.3, NM_000643.3, NM_000644.3 and 5 more transcripts); c.286A>G, p.Ile96Val (NM_000646.3); short protein forms I112V, I96V.
Identifiers: ClinVar variation 291324 (VCV000291324.56), dbSNP rs147024351, ClinGen allele CA966137.